The following is an entry in ClinVar:

ClinVar aggregate classification (germline): Uncertain significance (1 of 4 stars; one submission).

gnomAD v4.1: 7 of 1,207,073 alleles (0.00058%); highest among the groups gnomAD compares: South Asian, 0.0018%; no homozygotes.

Submission:

Labcorp Genetics (formerly Invitae), Labcorp
Classification: Uncertain significance. Last evaluated: 2025-06-18. Review status: criteria provided, single submitter. Criteria: Invitae Variant Classification Sherloc (09022015). Collection method: clinical testing. Allele origin: germline.
Comment: This sequence change replaces serine, which is neutral and polar, with leucine, which is neutral and non-polar, at codon 527 of the MSN protein (p.Ser527Leu). This variant is present in population databases (rs774679103, gnomAD 0.005%), including at least one homozygous and/or hemizygous individual. This variant has not been reported in the literature in individuals affected with MSN-related conditions. ClinVar contains an entry for this variant (Variation ID: 3719178). An algorithm developed to predict the effect of missense changes on protein structure and function (PolyPhen-2) suggests that this variant is likely to be disruptive. In summary, the available evidence is currently insufficient to determine the role of this variant in disease. Therefore, it has been classified as a Variant of Uncertain Significance.

NM_002444.3(MSN):c.1580C>T (p.Ser527Leu)

Gene: MSN (moesin; plus strand). Cytogenetic location: Xq12.
Variant type: single nucleotide variant.
Coding change: c.1580C>T on transcript NM_002444.3 (MANE Select); coding-DNA position 1580, C replaced by T.
Protein change: p.Ser527Leu; replaces serine 527 with leucine.
Molecular consequence: missense variant.
Genome position (GRCh38, 1-based): chrX:65,739,739, C>T. VCF-style: chrX-65739739-C-T. GRCh37 (hg19) VCF-style: chrX-64959601-C-T.
Other names: short protein forms S527L.
Identifiers: ClinVar variation 3719178 (VCV003719178.2).